The following is an entry in ClinVar:

ClinVar aggregate classification (germline): Benign. Review status: criteria provided, multiple submitters, no conflicts (2 of 4 stars). 6 submissions from 6 submitters: Benign (6). Last evaluated 2026-01-28.

Conditions:
Autosomal dominant cerebellar ataxia. Also called: Spinocerebellar Ataxia, Dominant. Identifiers: Orphanet 99, MedGen C4087347, MONDO:0020380.

Allele frequency attached by ClinVar (database versions not stated): gnomAD exomes 0.00157 and 0.00398; ExAC 0.00468; gnomAD 0.01353 and 0.01444; ESP Exome Variant Server 0.01409; TOPMed 0.01489; 1000 Genomes Project 0.01657; 1000 Genomes Project 30x 0.01780.
gnomAD v4.1: 4,450 of 1,613,898 alleles (0.28%); highest among the groups gnomAD compares: African/African-American, 4.7%; 104 homozygotes.

Submissions (6):

Labcorp Genetics (formerly Invitae), Labcorp
Classification: Benign. Last evaluated: 2026-01-28. Review status: criteria provided, single submitter. Criteria: Invitae Variant Classification Sherloc (09022015). Collection method: clinical testing. Allele origin: germline.

Athena Diagnostics
Classification: Benign. Last evaluated: 2024-03-01. Review status: criteria provided, single submitter. Criteria: Athena Diagnostics Criteria. Collection method: clinical testing. Allele origin: unknown.

Mayo Clinic Laboratories, Mayo Clinic
Classification: Benign. Last evaluated: 2023-11-22. Review status: criteria provided, single submitter. Criteria: ACMG Guidelines, 2015. Collection method: clinical testing. Allele origin: germline. Observed: 7 variant alleles.
Comment: BS1, BS2, BP4, BP7

GeneDx
Classification: Benign. Last evaluated: 2019-09-30. Review status: criteria provided, single submitter. Criteria: GeneDx Variant Classification Process June 2021. Collection method: clinical testing. Allele origin: germline. Affected: yes.

Illumina Laboratory Services, Illumina
Classification: Benign for Spinocerebellar Ataxia, Dominant. Last evaluated: 2018-01-13. Review status: criteria provided, single submitter. Criteria: ICSL Variant Classification Criteria 13 December 2019. Collection method: clinical testing. Allele origin: germline.
Comment: This variant was observed in the ICSL laboratory as part of a predisposition screen in an ostensibly healthy population. It had not been previously curated by ICSL or reported in the Human Gene Mutation Database (HGMD: prior to June 1st, 2018), and was therefore a candidate for classification through an automated scoring system. Utilizing variant allele frequency, disease prevalence and penetrance estimates, and inheritance mode, an automated score was calculated to assess if this variant is too frequent to cause the disease. Based on the score and internal cut-off values, a variant classified as benign is not then subjected to further curation. The score for this variant resulted in a classification of benign for this disease.

Breakthrough Genomics
Classification: Benign. Review status: criteria provided, single submitter. Criteria: ACMG Guidelines, 2015. Collection method: not provided. Allele origin: germline. Inheritance: Autosomal dominant inheritance. Affected: yes.

Literature cited by the submitters: PubMed 20437544 (cited by Athena Diagnostics); PubMed 20198715 (cited by Athena Diagnostics).

NM_001378452.1(ITPR1):c.4623C>T (p.Ser1541=)

Gene: ITPR1 (inositol 1,4,5-trisphosphate receptor type 1; plus strand). Cytogenetic location: 3p26.1.
Variant type: single nucleotide variant.
Coding change: c.4623C>T on transcript NM_001378452.1 (MANE Select); coding-DNA position 4623, C replaced by T.
Protein change: p.Ser1541=; no amino-acid change (serine 1541 retained).
Molecular consequence: synonymous variant.
Genome position (GRCh38, 1-based): chr3:4,702,916, C>T. VCF-style: chr3-4702916-C-T. GRCh37 (hg19) VCF-style: chr3-4744600-C-T.
Other names: p.Ser1517=; c.4551C>T (NM_002222.6); c.4596C>T, p.Ser1532= (NM_001099952.4); c.4578C>T, p.Ser1526= (NM_001168272.2); c.4551C>T, p.Ser1517= (NM_002222.7).
Identifiers: ClinVar variation 345738 (VCV000345738.19), dbSNP rs34748547, ClinGen allele CA2232053.
Genomic context (GRCh38, chr3:4,702,916, plus strand): 5'-GCTGCAAGGCGTGTTCAGGGTTTACCACTGCAACTGGTTAATGCCAAGCCAAAAAGCCTC[C>T]GTGGAGAGCTGTATTCGGGTGCTGTCTGATGTAGGTAAGATACCAAGTCAGTTTGGATAT-3'
Protein context (NP_001365381.1, residues 1531-1551): CNWLMPSQKA[Ser1541=]VESCIRVLSD